The following is an entry in ClinVar:

NM_000535.7(PMS2):c.719T>C (p.Ile240Thr)

Gene: PMS2 (PMS1 homolog 2, mismatch repair system component; minus strand). Cytogenetic location: 7p22.1.
Variant type: single nucleotide variant.
Coding change: c.719T>C on transcript NM_000535.7 (MANE Select); coding-DNA position 719, T replaced by C.
Protein change: p.Ile240Thr; replaces isoleucine 240 with threonine.
Molecular consequence: missense variant. On other transcripts: 5 prime UTR variant (2), non-coding transcript variant (1).
Genome position (GRCh38, 1-based): chr7:5,997,410, A>G on the plus strand (T>C on the coding strand, the complement: PMS2 is on the minus strand). VCF-style: chr7-5997410-A-G. GRCh37 (hg19) VCF-style: chr7-6037041-A-G.
Other names: c.314T>C, p.Ile105Thr (NM_001322005.2, NM_001322009.2, NM_001322010.2 and 20 more transcripts); c.719T>C, p.Ile240Thr (NM_001322006.2, NM_001322014.2, NM_001406870.1 and 3 more transcripts); c.401T>C, p.Ile134Thr (NM_001322007.2, NM_001322008.2, NM_001406876.1 and 4 more transcripts); c.611T>C, p.Ile204Thr (NM_001406869.1); c.-215T>C (NM_001322012.2, NM_001322011.2); c.146T>C, p.Ile49Thr (NM_001322013.2, NM_001406909.1); c.410T>C, p.Ile137Thr (NM_001322015.2, NM_001406875.1, NM_001406877.1 and 6 more transcripts); c.905T>C, p.Ile302Thr (NM_001406866.1); and 4 more; short protein forms I137T, I184T, I49T, I105T, I134T, I204T, I240T, I248T.
Identifiers: ClinVar variation 1757633 (VCV001757633.2), dbSNP rs2128788478, ClinGen allele CA366743772.
Genomic context (GRCh38, chr7:5,997,410, plus strand): 5'-GAACAGCTCAAACCGTACTCTTCACACACGGAGTCACTAGGGGGCAGCTGAACAAAAGGA[A>G]TGAGGCTTTGCAACTGAAAAAAAAAAAAAAAAATTCACAGTTACTTCCTAATAAAGACAG-3'
Protein context (NP_000526.2, residues 230-250): VFGQKQLQSL[Ile240Thr]PFVQLPPSDS

ClinVar aggregate classification (germline): Uncertain significance (1 of 4 stars; one submission).

Conditions:
Hereditary cancer-predisposing syndrome. Also called: Neoplastic Syndromes, Hereditary; Tumor predisposition; Hereditary Cancer Syndrome; Hereditary neoplastic syndrome. Identifiers: Orphanet 140162, MedGen C0027672, MeSH D009386, MONDO:0015356.

Allele frequency attached by ClinVar (database versions not stated): gnomAD exomes below 0.00001.
gnomAD v4.1: 1 of 1,577,070 alleles (0.000063%); highest among the groups gnomAD compares: Non-Finnish European, 0.000087%; no homozygotes.

Submission:

Ambry Genetics
Classification: Uncertain significance for Hereditary cancer-predisposing syndrome. Last evaluated: 2020-07-06. Review status: criteria provided, single submitter. Criteria: Ambry Variant Classification Scheme 2023. Collection method: clinical testing. Allele origin: germline.
Comment: The p.I240T variant (also known as c.719T>C), located in coding exon 7 of the PMS2 gene, results from a T to C substitution at nucleotide position 719. The isoleucine at codon 240 is replaced by threonine, an amino acid with similar properties. This amino acid position is not well conserved in available vertebrate species. In addition, the in silico prediction for this alteration is inconclusive. Since supporting evidence is limited at this time, the clinical significance of this alteration remains unclear.